The following is an entry in ClinVar:

ClinVar aggregate classification (germline): Conflicting classifications of pathogenicity. Review status: criteria provided, conflicting classifications (1 of 4 stars). 2 submissions from 2 submitters: Likely pathogenic (1); Uncertain significance (1). Last evaluated 2025-03-15.

Conditions:
Wilson disease (WND). Also called: Wilson's disease. Identifiers: Orphanet 905, MedGen C0019202, MONDO:0010200, OMIM 277900. Disease mechanism: loss of function.

Submissions (2):

Natera, Inc.
Classification: Likely pathogenic for Wilson disease. Last evaluated: 2025-03-15. Review status: criteria provided, single submitter. Criteria: Natera Variant Classification Schema (03/2026). Collection method: clinical testing. Allele origin: germline.
Comment: The c.71del variant in ATP7B is a frameshift variant predicted to shift the reading frame beginning at codon 24 and leads to a stop codon 10 codons downstream. This variant is expected to result in nonsense mediated decay, truncation, or a dysfunctional protein product. This variant is rare in the general population with a frequency below the threshold expected for the associated phenotype(s). Given the available evidence, this variant is classified as Likely Pathogenic.

Baylor Genetics
Classification: Uncertain significance for Wilson disease. Last evaluated: 2022-08-16. Review status: criteria provided, single submitter. Criteria: ACMG Guidelines, 2015. Collection method: clinical testing. Allele origin: unknown.

NM_000053.4(ATP7B):c.71del (p.Leu24fs)

Gene: ATP7B (ATPase copper transporting beta; minus strand). Cytogenetic location: 13q14.3.
Variant type: Deletion.
Coding change: c.71del on transcript NM_000053.4 (MANE Select); coding-DNA position 71, one base deleted (T; older notation c.71delT).
Protein change: p.Leu24fs; shifts the reading frame from leucine 24.
Molecular consequence: frameshift variant. On other transcripts: 5 prime UTR variant (7).
Genome position (GRCh38, 1-based): chr13:51,975,149, A deleted on the plus strand (T on the coding strand, the reverse complement: ATP7B is on the minus strand); the first of 3 consecutive A bases (chr13:51,975,149-51,975,151); deleting any one gives the same sequence. VCF-style (leftmost placement, unchanged base first): chr13-51975148-CA-C. GRCh37 (hg19) VCF-style: chr13-52549284-CA-C.
Other names: c.71del, p.Leu24fs (NM_001005918.3, NM_001243182.2, NM_001330578.2 and 30 more transcripts); c.-26del (NM_001406517.1, NM_001406518.1, NM_001406539.1 and 4 more transcripts); c.71del (NM_000053.3); short protein forms L24fs.
Identifiers: ClinVar variation 2679829 (VCV002679829.3), dbSNP rs2547826388, ClinGen allele CA2695199755.